The following is an entry in ClinVar:

ClinVar aggregate classification (germline): Uncertain significance (1 of 4 stars; one submission).

Conditions:
Autosomal dominant childhood-onset proximal spinal muscular atrophy with contractures (SMALED2A). Also called: SPINAL MUSCULAR ATROPHY, LOWER EXTREMITY-PREDOMINANT, 2A, CHILDHOOD ONSET, AUTOSOMAL DOMINANT; Spinal muscular atrophy, lower extremity-predominant, 2A, autosomal dominant. Identifiers: Orphanet 363447, Orphanet 363454, MedGen C4747715, MONDO:0014121, OMIM 615290.

Allele frequency attached by ClinVar (database versions not stated): ExAC 0.00001.
gnomAD v4.1: 8 of 1,614,126 alleles (0.0005%); highest among the groups gnomAD compares: South Asian, 0.0033%; no homozygotes.

Submission:

Labcorp Genetics (formerly Invitae), Labcorp
Classification: Uncertain significance for Autosomal dominant childhood-onset proximal spinal muscular atrophy with contractures. Last evaluated: 2022-10-13. Review status: criteria provided, single submitter. Criteria: Invitae Variant Classification Sherloc (09022015). Collection method: clinical testing. Allele origin: germline.
Comment: Advanced modeling of protein sequence and biophysical properties (such as structural, functional, and spatial information, amino acid conservation, physicochemical variation, residue mobility, and thermodynamic stability) performed at Invitae indicates that this missense variant is expected to disrupt BICD2 protein function. In summary, the available evidence is currently insufficient to determine the role of this variant in disease. Therefore, it has been classified as a Variant of Uncertain Significance. This variant has not been reported in the literature in individuals affected with BICD2-related conditions. This variant is present in population databases (rs776027192, gnomAD 0.003%). This sequence change replaces arginine, which is basic and polar, with cysteine, which is neutral and slightly polar, at codon 653 of the BICD2 protein (p.Arg653Cys).

NM_001003800.2(BICD2):c.1957C>T (p.Arg653Cys)

Gene: BICD2 (BICD cargo adaptor 2; minus strand). Cytogenetic location: 9q22.31.
Variant type: single nucleotide variant.
Coding change: c.1957C>T on transcript NM_001003800.2 (MANE Select); coding-DNA position 1957, C replaced by T.
Protein change: p.Arg653Cys; replaces arginine 653 with cysteine.
Molecular consequence: missense variant.
Genome position (GRCh38, 1-based): chr9:92,718,688, G>A on the plus strand (C>T on the coding strand, the complement: BICD2 is on the minus strand). VCF-style: chr9-92718688-G-A. GRCh37 (hg19) VCF-style: chr9-95480970-G-A.
Other names: c.1957C>T, p.Arg653Cys (NM_015250.4); short protein forms R653C.
Identifiers: ClinVar variation 2163918 (VCV002163918.4), dbSNP rs776027192, ClinGen allele CA5126442.